The following is an entry in ClinVar:

ClinVar aggregate classification (germline): Pathogenic (0 of 4 stars; one submission).

Conditions:
Alkaptonuria (AKU). Also called: Alkaptonuric ochronosis; Homogentisic acidura; Alcaptonuria; HOMOGENTISIC ACID OXIDASE DEFICIENCY. Identifiers: Orphanet 56, MedGen C0002066, MONDO:0008753, OMIM 203500.

Submission:

Department Of Human Genetics, Institute Of Clinical And Translational Research, Biomedical Research Center, Slovak Academy Of Sciences
Classification: Pathogenic for Alkaptonuria. Review status: no assertion criteria provided. Collection method: research. Allele origin: germline. Inheritance: Autosomal recessive inheritance. Affected: yes. Observed: 2 variant alleles.
Comment: The variant was originally described in AKU patient in PMID:30737480. It has been submitted to the HGD gene mutation database (DB-ID: AKU_00179).

Literature cited by the submitters: PubMed 30737480.

NM_000187.4(HGD):c.800C>T (p.Ala267Val)

Gene: HGD (homogentisate 1,2-dioxygenase; minus strand). Cytogenetic location: 3q13.33.
Variant type: single nucleotide variant.
Coding change: c.800C>T on transcript NM_000187.4 (MANE Select); coding-DNA position 800, C replaced by T.
Protein change: p.Ala267Val; replaces alanine 267 with valine.
Molecular consequence: missense variant.
Genome position (GRCh38, 1-based): chr3:120,641,668, G>A on the plus strand (C>T on the coding strand, the complement: HGD is on the minus strand). VCF-style: chr3-120641668-G-A. GRCh37 (hg19) VCF-style: chr3-120360515-G-A.
Other names: short protein forms A267V.
Identifiers: ClinVar variation 2627713 (VCV002627713.1), dbSNP rs2472681649, ClinGen allele CA354074023.